The following is an entry in ClinVar:

ClinVar aggregate classification (germline): Pathogenic (1 of 4 stars; one submission).

Allele frequency attached by ClinVar (database versions not stated): gnomAD exomes below 0.00001.
gnomAD v4.1: 1 of 1,613,268 alleles (0.000062%); highest among the groups gnomAD compares: Non-Finnish European, 0.000085%; no homozygotes.

Submission:

Labcorp Genetics (formerly Invitae), Labcorp
Classification: Pathogenic. Last evaluated: 2022-11-15. Review status: criteria provided, single submitter. Criteria: Invitae Variant Classification Sherloc (09022015). Collection method: clinical testing. Allele origin: germline.
Comment: This variant is not present in population databases (gnomAD no frequency). Disruption of this splice site has been observed in individuals with clinical features of inherited retinal dystrophy (Invitae). ClinVar contains an entry for this variant (Variation ID: 650853). Algorithms developed to predict the effect of sequence changes on RNA splicing suggest that this variant may disrupt the consensus splice site. This sequence change affects a donor splice site in intron 6 of the CERKL gene. It is expected to disrupt RNA splicing. Variants that disrupt the donor or acceptor splice site typically lead to a loss of protein function (PMID: 16199547), and loss-of-function variants in CERKL are known to be pathogenic (PMID: 14681825, 23591405, 24043777). For these reasons, this variant has been classified as Pathogenic.

Literature cited by the submitters: PubMed 16199547; PubMed 14681825; PubMed 23591405; PubMed 24043777.

NM_201548.5(CERKL):c.820+2C>A

Gene: CERKL (CERK like autophagy regulator; minus strand). Cytogenetic location: 2q31.3.
Variant type: single nucleotide variant.
Coding change: c.820+2C>A on transcript NM_201548.5 (MANE Select); the canonical splice donor site of the intron after coding-DNA position 820, C replaced by A.
Molecular consequence: splice donor variant. On other transcripts: intron variant (2).
Genome position (GRCh38, 1-based): chr2:181,558,564, G>T on the plus strand (C>A on the coding strand, the complement: CERKL is on the minus strand). VCF-style: chr2-181558564-G-T. GRCh37 (hg19) VCF-style: chr2-182423291-G-T.
Other names: c.482-8856C>A (NM_001030312.3); c.766+2C>A (NM_001160277.2); c.614-8856C>A (NM_001030313.3); c.898+2C>A (NM_001030311.3).
Identifiers: ClinVar variation 650853 (VCV000650853.7), dbSNP rs1328971667, ClinGen allele CA349740034.
Genomic context (GRCh38, chr2:181,558,564, plus strand): 5'-GCAAGTAAGAAAGGAAAAGAGGGAGAAGGGTCAGTTTAATGAATCTGTAGCCACTCCCTT[G>T]CCTGCTGGTATTAAGCCAAGTGGAAGCTGTGCTCTGACAGGAGTCAGGATTCGGTCTGTT-3'